The following is an entry in ClinVar:

ClinVar aggregate classification (germline): Uncertain significance. Review status: criteria provided, multiple submitters, no conflicts (2 of 4 stars). 3 submissions from 3 submitters: Uncertain significance (3). Last evaluated 2025-07-14.

Conditions:
Congenital myasthenic syndrome 17. Identifiers: Orphanet 590, MedGen C4225377, MONDO:0014578, OMIM 616304.
Cenani-Lenz syndactyly syndrome. Also called: SYNDACTYLY, TYPE VII; CENANI SYNDACTYLISM. Identifiers: Orphanet 3258, MedGen C1859309, MONDO:0008931, OMIM 212780.
Sclerosteosis 2 (SOST2). Identifiers: Orphanet 3152, MedGen C3280402, MONDO:0013679, OMIM 614305.

Allele frequency attached by ClinVar (database versions not stated): TOPMed 0.00003; ExAC 0.00004; gnomAD 0.00003 and 0.00004; ESP Exome Variant Server 0.00015; gnomAD exomes 0.00003.
gnomAD v4.1: 57 of 1,614,046 alleles (0.0035%); highest among the groups gnomAD compares: Non-Finnish European, 0.004%; no homozygotes.

Submissions (3):

Ozbek Human Genetics Laboratory, Izmir Biomedicine and Genome Center
Classification: Uncertain significance for Congenital myasthenic syndrome 17. Last evaluated: 2025-07-14. Review status: criteria provided, single submitter. Criteria: ACMG Guidelines, 2015. Collection method: research. Allele origin: unknown. Affected: yes. Observed: 1 variant allele, 1 homozygote.
Comment: A homozygous (NM_002334.4): c.3388G>A (p.Ala1130Thr) missense variant was detected in exon 25 of the LRP4 gene. This variant has been previously reported at a very low frequency in population databases (PM2). In silico algorithms (Revel, FATHMM) predict this variant has a damaging effect at the protein level (PP3). Additionally, severe hypotonia has been reported in patients with pathogenic variants in the 3rd beta-propeller domain where the variant is located. Based on this information, the detected change is classified as a Variant of Uncertain Significance (VUS) according to ACMG criteria. Pathogenic variants in the LRP4 gene are known to be associated with the autosomal recessively inherited "Myasthenic syndrome, congenital, 17 (#616304)" syndrome. Data obtained via the RAREBOOST project (Horizon 2020 ERA Chairs at Izmir Biomedicine and Genome Center - IBG)

Revvity Omics, Revvity
Classification: Uncertain significance. Last evaluated: 2024-09-02. Review status: criteria provided, single submitter. Criteria: ACMG Guidelines, 2015. Collection method: clinical testing. Allele origin: germline.

Labcorp Genetics (formerly Invitae), Labcorp
Classification: Uncertain significance for Cenani-Lenz syndactyly syndrome; Sclerosteosis 2; Congenital myasthenic syndrome 17. Last evaluated: 2024-07-06. Review status: criteria provided, single submitter. Criteria: Invitae Variant Classification Sherloc (09022015). Collection method: clinical testing. Allele origin: germline.
Comment: This sequence change replaces alanine, which is neutral and non-polar, with threonine, which is neutral and polar, at codon 1130 of the LRP4 protein (p.Ala1130Thr). This variant is present in population databases (rs142904009, gnomAD 0.005%). This variant has not been reported in the literature in individuals affected with LRP4-related conditions. ClinVar contains an entry for this variant (Variation ID: 1381530). Algorithms developed to predict the effect of missense changes on protein structure and function output the following: SIFT: "Not Available"; PolyPhen-2: "Benign"; Align-GVGD: "Not Available". The threonine amino acid residue is found in multiple mammalian species, which suggests that this missense change does not adversely affect protein function. In summary, the available evidence is currently insufficient to determine the role of this variant in disease. Therefore, it has been classified as a Variant of Uncertain Significance.

NM_002334.4(LRP4):c.3388G>A (p.Ala1130Thr)

Gene: LRP4 (LDL receptor related protein 4; minus strand). Cytogenetic location: 11p11.2.
Variant type: single nucleotide variant.
Coding change: c.3388G>A on transcript NM_002334.4 (MANE Select); coding-DNA position 3388, G replaced by A.
Protein change: p.Ala1130Thr; replaces alanine 1130 with threonine.
Molecular consequence: missense variant.
Genome position (GRCh38, 1-based): chr11:46,876,614, C>T on the plus strand (G>A on the coding strand, the complement: LRP4 is on the minus strand). VCF-style: chr11-46876614-C-T. GRCh37 (hg19) VCF-style: chr11-46898165-C-T.
Other names: short protein forms A1130T.
Identifiers: ClinVar variation 1381530 (VCV001381530.6), dbSNP rs142904009, ClinGen allele CA5969608.
Genomic context (GRCh38, chr11:46,876,614, plus strand): 5'-CTTCAATCCGGTTTGTTCCCGTGTCTGTCCAGTATACTTTCCGGCCAATGGCATCAACCG[C>T]GAGCCCATCTGTGGTCTGTAGCCCTGTGGGAAGTCAAAAGAGCACACTGGCTCCTATTTT-3'
Protein context (NP_002325.2, residues 1120-1140): TTGLQTTDGL[Ala1130Thr]VDAIGRKVYW